The following is an entry in ClinVar:

NM_002691.4(POLD1):c.217T>A (p.Ser73Thr)

Gene: POLD1 (DNA polymerase delta 1, catalytic subunit; plus strand). Cytogenetic location: 19q13.33.
Variant type: single nucleotide variant.
Coding change: c.217T>A on transcript NM_002691.4 (MANE Select); coding-DNA position 217, T replaced by A.
Protein change: p.Ser73Thr; replaces serine 73 with threonine.
Molecular consequence: missense variant. On other transcripts: non-coding transcript variant (1).
Genome position (GRCh38, 1-based): chr19:50,399,385, T>A. VCF-style: chr19-50399385-T-A. GRCh37 (hg19) VCF-style: chr19-50902642-T-A.
Other names: c.217T>A, p.Ser73Thr (NM_001256849.1, NM_001308632.1); c.217T>A (NM_002691.2); short protein forms S73T.
Identifiers: ClinVar variation 575711 (VCV000575711.10), dbSNP rs775119313, ClinGen allele CA9595654.

ClinVar aggregate classification (germline): Conflicting classifications of pathogenicity. Review status: criteria provided, conflicting classifications (1 of 4 stars). 2 submissions from 2 submitters: Uncertain significance (1); Likely benign (1). Last evaluated 2024-12-13.

Conditions:
POLD1-related polyposis and colorectal cancer syndrome (CRCS10). Also called: Colorectal cancer 10; COLORECTAL CANCER, SUSCEPTIBILITY TO, ON CHROMOSOME 19q; Colorectal cancer, susceptibility to, 10. Identifiers: Orphanet 220460, MedGen C2675481, MONDO:0012953, OMIM 612591.
Hereditary cancer-predisposing syndrome. Also called: Tumor predisposition; Neoplastic Syndromes, Hereditary; Hereditary Cancer Syndrome; Hereditary neoplastic syndrome. Identifiers: Orphanet 140162, MedGen C0027672, MeSH D009386, MONDO:0015356.

Allele frequency attached by ClinVar (database versions not stated): gnomAD exomes below 0.00001; ExAC 0.00001.
gnomAD v4.1: 19 of 1,613,658 alleles (0.0012%); highest among the groups gnomAD compares: Non-Finnish European, 0.0016%; no homozygotes.

Submissions (2):

Labcorp Genetics (formerly Invitae), Labcorp
Classification: Uncertain significance for POLD1-related polyposis and colorectal cancer syndrome. Last evaluated: 2024-12-13. Review status: criteria provided, single submitter. Criteria: Invitae Variant Classification Sherloc (09022015). Collection method: clinical testing. Allele origin: germline.
Comment: This sequence change replaces serine, which is neutral and polar, with threonine, which is neutral and polar, at codon 73 of the POLD1 protein (p.Ser73Thr). This variant is present in population databases (rs775119313, gnomAD 0.0009%). This variant has not been reported in the literature in individuals affected with POLD1-related conditions. ClinVar contains an entry for this variant (Variation ID: 575711). Invitae Evidence Modeling of protein sequence and biophysical properties (such as structural, functional, and spatial information, amino acid conservation, physicochemical variation, residue mobility, and thermodynamic stability) indicates that this missense variant is not expected to disrupt POLD1 protein function with a negative predictive value of 80%. In summary, the available evidence is currently insufficient to determine the role of this variant in disease. Therefore, it has been classified as a Variant of Uncertain Significance.

Ambry Genetics
Classification: Likely benign for Hereditary cancer-predisposing syndrome. Last evaluated: 2023-01-27. Review status: criteria provided, single submitter. Criteria: Ambry Variant Classification Scheme 2023. Collection method: clinical testing. Allele origin: germline.